The following is an entry in ClinVar:

ClinVar aggregate classification (germline): Uncertain significance (1 of 4 stars; one submission).

Conditions:
Autosomal recessive severe congenital neutropenia due to G6PC3 deficiency. Also called: NEUTROPENIA, SEVERE CONGENITAL, 4, AUTOSOMAL RECESSIVE; G6PC3 Deficiency. Identifiers: Orphanet 331176, MedGen C2751630, MONDO:0012930, OMIM 612541.

Submission:

Labcorp Genetics (formerly Invitae), Labcorp
Classification: Uncertain significance for Autosomal recessive severe congenital neutropenia due to G6PC3 deficiency. Last evaluated: 2022-10-13. Review status: criteria provided, single submitter. Criteria: Invitae Variant Classification Sherloc (09022015). Collection method: clinical testing. Allele origin: germline.
Comment: This variant, c.806_808del, results in the deletion of 1 amino acid(s) of the G6PC3 protein (p.Cys269del), but otherwise preserves the integrity of the reading frame. This variant is present in population databases (no rsID available, gnomAD 0.01%). This variant has not been reported in the literature in individuals affected with G6PC3-related conditions. ClinVar contains an entry for this variant (Variation ID: 1492675). Experimental studies and prediction algorithms are not available or were not evaluated, and the functional significance of this variant is currently unknown. In summary, the available evidence is currently insufficient to determine the role of this variant in disease. Therefore, it has been classified as a Variant of Uncertain Significance.

NM_138387.4(G6PC3):c.806_808del (p.Cys269del)

Gene: G6PC3 (glucose-6-phosphatase catalytic subunit 3; plus strand). Cytogenetic location: 17q21.31.
Variant type: Deletion.
Coding change: c.806_808del on transcript NM_138387.4 (MANE Select); coding-DNA positions 806 to 808, 3 bases deleted (GCT; older notation c.806_808delGCT).
Protein change: p.Cys269del; deletes cysteine 269.
Molecular consequence: inframe deletion. On other transcripts: 3 prime UTR variant (1).
Genome position (GRCh38, 1-based): chr17:44,075,808-44,075,810, GCT deleted; deleting any 3 consecutive bases within chr17:44,075,806-44,075,810 gives the same sequence; the c. name uses the placement nearest the transcript's 3' end. VCF-style (leftmost placement, unchanged base first): chr17-44075805-CCTG-C. GRCh37 (hg19) VCF-style: chr17-42153173-CCTG-C.
Other names: c.461_463del, p.Cys154del (NM_001384168.1, NM_001384165.1, NM_001384166.1 and 1 more transcripts); c.*99_*101del (NM_001319945.2); short protein forms C269del, C154del.
Identifiers: ClinVar variation 1492675 (VCV001492675.5), dbSNP rs1199375457, ClinGen allele CA626222812.